The following is an entry in ClinVar:

NM_004385.5(VCAN):c.2168G>A (p.Gly723Glu)

Gene: VCAN (versican; plus strand). Cytogenetic location: 5q14.3.
Variant type: single nucleotide variant.
Coding change: c.2168G>A on transcript NM_004385.5 (MANE Select); coding-DNA position 2168, G replaced by A.
Protein change: p.Gly723Glu; replaces glycine 723 with glutamic acid.
Molecular consequence: missense variant. On other transcripts: intron variant (2).
Genome position (GRCh38, 1-based): chr5:83,520,474, G>A. VCF-style: chr5-83520474-G-A. GRCh37 (hg19) VCF-style: chr5-82816293-G-A.
Other names: c.2168G>A, p.Gly723Glu (NM_001164098.2); c.1042+8078G>A (NM_001164097.2, NM_001126336.3); short protein forms G723E.
Identifiers: ClinVar variation 198511 (VCV000198511.16), dbSNP rs149661891, ClinGen allele CA247191.

ClinVar aggregate classification (germline): Uncertain significance. Review status: criteria provided, multiple submitters, no conflicts (2 of 4 stars). 3 submissions from 3 submitters: Uncertain significance (3). Last evaluated 2025-03-24.

Allele frequency attached by ClinVar (database versions not stated): gnomAD exomes 0.00002 and 0.00001; ESP Exome Variant Server 0.00008; gnomAD 0.00008 and 0.00010; TOPMed 0.00014; ExAC 0.00002.
gnomAD v4.1: 23 of 1,613,824 alleles (0.0014%); highest among the groups gnomAD compares: African/African-American, 0.028%; no homozygotes.

Submissions (3):

Labcorp Genetics (formerly Invitae), Labcorp
Classification: Uncertain significance. Last evaluated: 2025-03-24. Review status: criteria provided, single submitter. Criteria: Invitae Variant Classification Sherloc (09022015). Collection method: clinical testing. Allele origin: germline.
Comment: This sequence change replaces glycine, which is neutral and non-polar, with glutamic acid, which is acidic and polar, at codon 723 of the VCAN protein (p.Gly723Glu). This variant is present in population databases (rs149661891, gnomAD 0.01%). This variant has not been reported in the literature in individuals affected with VCAN-related conditions. ClinVar contains an entry for this variant (Variation ID: 198511). An algorithm developed to predict the effect of missense changes on protein structure and function outputs the following: PolyPhen-2: "Benign". The glutamic acid amino acid residue is found in multiple mammalian species, which suggests that this missense change does not adversely affect protein function. In summary, the available evidence is currently insufficient to determine the role of this variant in disease. Therefore, it has been classified as a Variant of Uncertain Significance.

Blueprint Genetics
Classification: Uncertain significance. Last evaluated: 2023-05-31. Review status: criteria provided, single submitter. Criteria: ACMG Guidelines, 2015. Collection method: clinical testing. Allele origin: germline.

Eurofins Ntd Llc (ga)
Classification: Uncertain significance. Last evaluated: 2015-03-06. Review status: criteria provided, single submitter. Criteria: EGL Classification Definitions 2015. Collection method: clinical testing. Allele origin: germline. Observed: 1 variant allele, 1 heterozygote.